The following is an entry in ClinVar:

NM_020822.3(KCNT1):c.3653G>A (p.Cys1218Tyr)

Gene: KCNT1 (potassium sodium-activated channel subfamily T member 1; plus strand). Cytogenetic location: 9q34.3.
Variant type: single nucleotide variant.
Coding change: c.3653G>A on transcript NM_020822.3 (MANE Select); coding-DNA position 3653, G replaced by A.
Protein change: p.Cys1218Tyr; replaces cysteine 1218 with tyrosine.
Molecular consequence: missense variant.
Genome position (GRCh38, 1-based): chr9:135,792,106, G>A. VCF-style: chr9-135792106-G-A. GRCh37 (hg19) VCF-style: chr9-138683952-G-A.
Other names: c.3581G>A, p.Cys1194Tyr (NM_001272003.2); short protein forms C1194Y, C1218Y.
Identifiers: ClinVar variation 972644 (VCV000972644.12), dbSNP rs758465935, ClinGen allele CA201432010.
Genomic context (GRCh38, chr9:135,792,106, plus strand): 5'-TCATCCGCTCCGACCCCCTGGCTCACGTGGCCAGCAGCTCCCAGAGCCGGAAGAGCAGCT[G>A]CAGCCACAAGCTGTCGTCCTGCAACCCCGAGACTCGCGACGAGACACAGCTCTGAGCCAG-3'
Protein context (NP_065873.2, residues 1208-1228): ASSSQSRKSS[Cys1218Tyr]SHKLSSCNPE

ClinVar aggregate classification (germline): Conflicting classifications of pathogenicity. Review status: criteria provided, conflicting classifications (1 of 4 stars). 2 submissions from 2 submitters: Uncertain significance (1); Likely benign (1). Last evaluated 2024-04-10.

Conditions:
Autosomal dominant nocturnal frontal lobe epilepsy 5. Also called: Epilepsy, nocturnal frontal lobe, 5; CILIARY DYSKINESIA, PRIMARY, 28, WITH SITUS INVERSUS; KCNT1-Related Epilepsy; CILIARY DYSKINESIA, PRIMARY, 28, WITHOUT SITUS INVERSUS. Identifiers: Orphanet 98784, MedGen C3554306, MONDO:0014002, OMIM 615005.
Developmental and epileptic encephalopathy, 14 (DEE14). Also called: Early infantile epileptic encephalopathy 14. Identifiers: Orphanet 293181, MedGen C3554195, MONDO:0013989, OMIM 614959.

Allele frequency attached by ClinVar (database versions not stated): gnomAD exomes below 0.00001 and 0.00001; TOPMed 0.00001.
gnomAD v4.1: 12 of 1,604,502 alleles (0.00075%); highest among the groups gnomAD compares: Non-Finnish European, 0.001%; no homozygotes.

Submissions (2):

Labcorp Genetics (formerly Invitae), Labcorp
Classification: Likely benign for Autosomal dominant nocturnal frontal lobe epilepsy 5; Developmental and epileptic encephalopathy, 14. Last evaluated: 2024-04-10. Review status: criteria provided, single submitter. Criteria: Invitae Variant Classification Sherloc (09022015). Collection method: clinical testing. Allele origin: germline.

GeneDx
Classification: Uncertain significance. Last evaluated: 2021-03-15. Review status: criteria provided, single submitter. Criteria: GeneDx Variant Classification Process June 2021. Collection method: clinical testing. Allele origin: germline. Affected: yes.
Comment: In silico analysis supports that this missense variant does not alter protein structure/function; Has not been previously published as pathogenic or benign to our knowledge